The following is an entry in ClinVar:

ClinVar aggregate classification (germline): Uncertain significance. Review status: criteria provided, multiple submitters, no conflicts (2 of 4 stars). 2 submissions from 2 submitters: Uncertain significance (2). Last evaluated 2024-08-28.

Conditions:
Cardiovascular phenotype. Identifiers: MedGen CN230736.

gnomAD v4.1: 10 of 1,542,146 alleles (0.00065%); highest among the groups gnomAD compares: African/African-American, 0.0027%; no homozygotes.

Submissions (2):

Labcorp Genetics (formerly Invitae), Labcorp
Classification: Uncertain significance. Last evaluated: 2024-08-28. Review status: criteria provided, single submitter. Criteria: Invitae Variant Classification Sherloc (09022015). Collection method: clinical testing. Allele origin: germline.
Comment: This sequence change replaces histidine, which is basic and polar, with asparagine, which is neutral and polar, at codon 655 of the ZNF469 protein (p.His655Asn). This variant is present in population databases (no rsID available, gnomAD 0.02%). This variant has not been reported in the literature in individuals affected with ZNF469-related conditions. An algorithm developed to predict the effect of missense changes on protein structure and function outputs the following: PolyPhen-2: "Benign". The asparagine amino acid residue is found in multiple mammalian species, which suggests that this missense change does not adversely affect protein function. In summary, the available evidence is currently insufficient to determine the role of this variant in disease. Therefore, it has been classified as a Variant of Uncertain Significance.

Ambry Genetics
Classification: Uncertain significance for Cardiovascular phenotype. Last evaluated: 2024-02-22. Review status: criteria provided, single submitter. Criteria: Ambry Variant Classification Scheme 2023. Collection method: clinical testing. Allele origin: germline.
Comment: The p.H655N variant (also known as c.1963C>A), located in coding exon 1 of the ZNF469 gene, results from a C to A substitution at nucleotide position 1963. The histidine at codon 655 is replaced by asparagine, an amino acid with similar properties. This amino acid position is conserved. In addition, this alteration is predicted to be tolerated by in silico analysis. Based on the available evidence, the clinical significance of this alteration remains unclear.

NM_001367624.2(ZNF469):c.1963C>A (p.His655Asn)

Gene: ZNF469 (zinc finger protein 469; plus strand). Cytogenetic location: 16q24.2.
Variant type: single nucleotide variant.
Coding change: c.1963C>A on transcript NM_001367624.2 (MANE Select); coding-DNA position 1963, C replaced by A.
Protein change: p.His655Asn; replaces histidine 655 with asparagine.
Molecular consequence: missense variant.
Genome position (GRCh38, 1-based): chr16:88,429,433, C>A. VCF-style: chr16-88429433-C-A. GRCh37 (hg19) VCF-style: chr16-88495841-C-A.
Other names: NM_001127464.1:c.1963C>A; short protein forms H655N.
Identifiers: ClinVar variation 3232762 (VCV003232762.2), dbSNP rs1160837657, ClinGen allele CA397069366.
Genomic context (GRCh38, chr16:88,429,433, plus strand): 5'-TTCCACCCACCCACTCACCCCCAGGAGACGGGCAGCCCCTTCCCGTCCCCGGAGCCCCCC[C>A]ACTCCCTCCCCACCCACTACCAGCCAGAGCCAGCCAAGGCCTTCCCTTTTCCCGCAGATG-3'
Protein context (NP_001354553.1, residues 645-665): GSPFPSPEPP[His655Asn]SLPTHYQPEP